The following is an entry in ClinVar:

NM_000709.4(BCKDHA):c.429del (p.Ser144fs)

Gene: BCKDHA (branched chain keto acid dehydrogenase E1 subunit alpha; plus strand). Cytogenetic location: 19q13.2.
Variant type: Deletion.
Coding change: c.429del on transcript NM_000709.4 (MANE Select); coding-DNA position 429, one base deleted (G; older notation c.429delG).
Protein change: p.Ser144fs; shifts the reading frame from serine 144.
Molecular consequence: frameshift variant.
Genome position (GRCh38, 1-based): chr19:41,414,102, G deleted; the last of 4 consecutive G bases (chr19:41,414,099-41,414,102); deleting any one gives the same sequence. VCF-style (leftmost placement, unchanged base first): chr19-41414098-TG-T. GRCh37 (hg19) VCF-style: chr19-41920003-TG-T.
Other names: c.429del, p.Ser144fs (NM_001164783.2); short protein forms S144fs.
Identifiers: ClinVar variation 1724252 (VCV001724252.2), dbSNP rs2513454376, ClinGen allele CA2580097289.
Genomic context (GRCh38, chr19:41,414,098, plus strand): 5'-TACACCCCCAGGGCCGGATCTCCTTCTACATGACCAACTATGGTGAGGAGGGCACGCACG[TG>T]GGGAGTGCCGCCGCCCTGGACAACACGGACCTGGTGTTTGGCCAGTACCGGGAGGCAGGT-3'

ClinVar aggregate classification (germline): Likely pathogenic (1 of 4 stars; one submission).

Conditions:
Maple syrup urine disease (MSUD). Identifiers: Orphanet 511, MedGen C0024776, MeSH D008375, MONDO:0009563. Disease mechanism: loss of function.

Submission:

Myriad Genetics, Inc.
Classification: Likely pathogenic for Maple syrup urine disease type 1A. Last evaluated: 2021-11-08. Review status: criteria provided, single submitter. Criteria: Myriad Women's Health Autosomal Recessive and X-Linked Classification Criteria (2021). Collection method: clinical testing. Allele origin: unknown.
Comment: NM_000709.3(BCKDHA):c.429delG(S144Vfs*21) is expected to be pathogenic in the context of maple syrup urine disease type Ia. This variant is predicted to lead to an abnormal or absent protein product due to the creation of a premature termination codon in BCKDHA, a gene where loss-of-function variants are known to be pathogenic. Please note: this variant was assessed in the context of healthy population screening.